The following is an entry in ClinVar:

NC_000009.12:g.35658023_35658063dup

Gene: RMRP (RNA component of mitochondrial RNA processing endoribonuclease; minus strand). Cytogenetic location: 9p13.3.
Variant type: Duplication.
Genome position: GRCh38: chr9:35,658,023-35,658,063. GRCh37 (hg19): chr9:35,658,020-35,658,060.
Identifiers: ClinVar variation 853453 (VCV000853453.6), dbSNP rs1823636607, ClinGen allele CA916080408.

ClinVar aggregate classification (germline): Uncertain significance (1 of 4 stars; one submission).

Conditions:
Anauxetic dysplasia. Identifiers: Orphanet 93347, MedGen C1846796, MONDO:0011773.

Submission:

Labcorp Genetics (formerly Invitae), Labcorp
Classification: Uncertain significance for Anauxetic dysplasia. Last evaluated: 2021-07-14. Review status: criteria provided, single submitter. Criteria: Invitae Variant Classification Sherloc (09022015). Collection method: clinical testing. Allele origin: germline.
Comment: This variant occurs in the RMRP gene, which encodes an RNA molecule that does not result in a protein product. The frequency data for this variant in the population databases is considered unreliable, as metrics indicate insufficient coverage at this position in the ExAC database. This variant has not been reported in the literature in individuals affected with RMRP-related conditions. Experimental studies and prediction algorithms are not available or were not evaluated, and the functional significance of this variant is currently unknown. In summary, the available evidence is currently insufficient to determine the role of this variant in disease. Therefore, it has been classified as a Variant of Uncertain Significance.